The following is an entry in ClinVar:

NM_001204.7(BMPR2):c.1664_1665del (p.Ser555fs)

Gene: BMPR2 (bone morphogenetic protein receptor type 2; plus strand). Cytogenetic location: 2q33.2.
Variant type: Microsatellite.
Coding change: c.1664_1665del on transcript NM_001204.7 (MANE Select); coding-DNA positions 1664 to 1665, 2 bases deleted (CT; older notation c.1664_1665delCT).
Protein change: p.Ser555fs; shifts the reading frame from serine 555.
Molecular consequence: frameshift variant.
Genome position (GRCh38, 1-based): chr2:202,555,329-202,555,330, CT deleted; deleting any 2 consecutive bases within chr2:202,555,327-202,555,330 gives the same sequence; the c. name uses the placement nearest the transcript's 3' end. VCF-style (leftmost placement, unchanged base first): chr2-202555326-ACT-A. GRCh37 (hg19) VCF-style: chr2-203420049-ACT-A.
Other names: short protein forms S555fs.
Identifiers: ClinVar variation 648237 (VCV000648237.8), dbSNP rs1574506470, ClinGen allele CA915941658.

ClinVar aggregate classification (germline): Pathogenic (1 of 4 stars; one submission).

Conditions:
Primary pulmonary hypertension. Also called: Idiopathic pulmonary hypertension. Identifiers: MedGen C0152171.

Submission:

Labcorp Genetics (formerly Invitae), Labcorp
Classification: Pathogenic for Primary pulmonary hypertension. Last evaluated: 2018-08-28. Review status: criteria provided, single submitter. Criteria: Invitae Variant Classification Sherloc (09022015). Collection method: clinical testing. Allele origin: germline.
Comment: This sequence change creates a premature translational stop signal (p.Ser555Tyrfs*5) in the BMPR2 gene. It is expected to result in an absent or disrupted protein product. This variant is not present in population databases (ExAC no frequency). This variant has not been reported in the literature in individuals with BMPR2-related disease. Loss-of-function variants in BMPR2 are known to be pathogenic (PMID: 16429395). For these reasons, this variant has been classified as Pathogenic.

Literature cited by the submitters: PubMed 16429395.